The following is an entry in ClinVar:

NM_016277.5(RAB23):c.160A>G (p.Asn54Asp)

Gene: RAB23 (RAB23, member RAS oncogene family; minus strand). Cytogenetic location: 6p11.2.
Variant type: single nucleotide variant.
Coding change: c.160A>G on transcript NM_016277.5 (MANE Select); coding-DNA position 160, A replaced by G.
Protein change: p.Asn54Asp; replaces asparagine 54 with aspartic acid.
Molecular consequence: missense variant.
Genome position (GRCh38, 1-based): chr6:57,207,709, T>C on the plus strand (A>G on the coding strand, the complement: RAB23 is on the minus strand). VCF-style: chr6-57207709-T-C. GRCh37 (hg19) VCF-style: chr6-57072507-T-C.
Other names: c.160A>G, p.Asn54Asp (NM_001278666.2, NM_001278667.2, NM_001278668.2 and 1 more transcripts); short protein forms N54D.
Identifiers: ClinVar variation 4993296 (VCV004993296.1).

ClinVar aggregate classification (germline): Uncertain significance (1 of 4 stars; one submission).

Conditions:
RAB23-related disorder. Also called: RAB23-related condition.

Submission:

PreventionGenetics, part of Exact Sciences
Classification: Uncertain significance for RAB23-related condition. Last evaluated: 2025-09-27. Review status: criteria provided, single submitter. Criteria: ACMG Guidelines, 2015. Collection method: clinical testing. Allele origin: germline.
Comment: The RAB23 c.160A>G variant is predicted to result in the amino acid substitution p.Asn54Asp. To our knowledge, this variant has not been reported in the literature or in a large population database (gnomAD), indicating this variant is rare. At this time, the clinical significance of this variant is uncertain due to the absence of conclusive functional and genetic evidence.